The following is an entry in ClinVar:

NM_198252.3(GSN):c.-9-2068T>G

Gene: GSN (gelsolin; plus strand). Cytogenetic location: 9q33.2.
Variant type: single nucleotide variant.
Coding change: c.-9-2068T>G on transcript NM_198252.3 (MANE Select); 2068 bases into the intron before 9 bases upstream of the start codon, T replaced by G.
Molecular consequence: intron variant. On other transcripts: missense variant (1).
Genome position (GRCh38, 1-based): chr9:121,299,895, T>G. VCF-style: chr9-121299895-T-G. GRCh37 (hg19) VCF-style: chr9-124062173-T-G.
Other names: c.34T>G, p.Cys12Gly (NM_000177.5); c.-9-2068T>G (NM_001353054.1, NM_001353053.1, NM_001353060.2 and 5 more transcripts); c.-47-161T>G (NM_001353064.2, NM_001353066.2, NM_001353072.2 and 8 more transcripts); c.-1-2076T>G (NM_001353058.2, NM_001353059.2, NM_001353056.2 and 1 more transcripts); c.-38-170T>G (NM_001353073.2, NM_001353065.2, NM_001353068.2 and 2 more transcripts); c.100-2068T>G (NM_001127663.2); c.-32-176T>G (NM_001353070.2); c.-48-2029T>G (NM_001353055.2); and 3 more; short protein forms C12G.
Identifiers: ClinVar variation 1732063 (VCV001732063.8), dbSNP rs1199158051, ClinGen allele CA374751530.

ClinVar aggregate classification (germline): Conflicting classifications of pathogenicity. Review status: criteria provided, conflicting classifications (1 of 4 stars). 3 submissions from 3 submitters: Uncertain significance (2); Likely benign (1). Last evaluated 2026-05-15.

Conditions:
GSN-related disorder. Also called: GSN-related condition.
Inborn genetic diseases. Identifiers: MedGen C0950123, MeSH D030342.

Allele frequency attached by ClinVar (database versions not stated): gnomAD exomes below 0.00001; TOPMed 0.00003.
gnomAD v4.1: 3 of 1,318,456 alleles (0.00023%); highest among the groups gnomAD compares: Non-Finnish European, 0.00029%; no homozygotes.

Submissions (3):

PreventionGenetics, part of Exact Sciences
Classification: Uncertain significance for GSN-related condition. Last evaluated: 2026-05-15. Review status: criteria provided, single submitter. Criteria: ACMG Guidelines, 2015. Collection method: clinical testing. Allele origin: germline.
Comment: The GSN c.34T>G variant is predicted to result in the amino acid substitution p.Cys12Gly. To our knowledge, this variant has not been reported in the literature or in a large population database (gnomAD), indicating this variant is rare. At this time, the clinical significance of this variant is uncertain due to the absence of conclusive functional and genetic evidence.

Labcorp Genetics (formerly Invitae), Labcorp
Classification: Uncertain significance. Last evaluated: 2024-09-17. Review status: criteria provided, single submitter. Criteria: Invitae Variant Classification Sherloc (09022015). Collection method: clinical testing. Allele origin: germline.
Comment: This sequence change replaces cysteine, which is neutral and slightly polar, with glycine, which is neutral and non-polar, at codon 12 of the GSN protein (p.Cys12Gly). This variant is not present in population databases (gnomAD no frequency). This variant has not been reported in the literature in individuals affected with GSN-related conditions. ClinVar contains an entry for this variant (Variation ID: 1732063). An algorithm developed to predict the effect of missense changes on protein structure and function outputs the following: PolyPhen-2: "Benign". The glycine amino acid residue is found in multiple mammalian species, which suggests that this missense change does not adversely affect protein function. In summary, the available evidence is currently insufficient to determine the role of this variant in disease. Therefore, it has been classified as a Variant of Uncertain Significance.

Ambry Genetics
Classification: Likely benign for Inborn genetic diseases. Last evaluated: 2022-04-15. Review status: criteria provided, single submitter. Criteria: Ambry Variant Classification Scheme 2023. Collection method: clinical testing. Allele origin: germline.